The following is an entry in ClinVar:

ClinVar aggregate classification (germline): Likely benign (1 of 4 stars; one submission).

Allele frequency attached by ClinVar (database versions not stated): gnomAD 0.00106; gnomAD exomes 0.00135; ExAC 0.00177; 1000 Genomes Project 30x 0.00016; TOPMed 0.00103.
gnomAD v4.1: 1,848 of 1,433,506 alleles (0.13%); highest among the groups gnomAD compares: Non-Finnish European, 0.16%; 2 homozygotes.

Submission:

CeGaT Center for Human Genetics Tuebingen
Classification: Likely benign. Last evaluated: 2022-07-01. Review status: criteria provided, single submitter. Criteria: CeGaT Center For Human Genetics Tuebingen Variant Classification Criteria Version 2. Collection method: clinical testing. Allele origin: germline. Affected: yes. Observed: 1 variant allele.
Comment: SP9: BP4, BP7

NM_001145250.2(SP9):c.468G>A (p.Glu156=)

Gene: SP9 (Sp9 transcription factor; plus strand). Cytogenetic location: 2q31.1.
Variant type: single nucleotide variant.
Coding change: c.468G>A on transcript NM_001145250.2 (MANE Select); coding-DNA position 468, G replaced by A.
Protein change: p.Glu156=; no amino-acid change (glutamic acid 156 retained).
Molecular consequence: synonymous variant.
Genome position (GRCh38, 1-based): chr2:174,336,553, G>A. VCF-style: chr2-174336553-G-A. GRCh37 (hg19) VCF-style: chr2-175201281-G-A.
Identifiers: ClinVar variation 2651547 (VCV002651547.24), dbSNP rs775134806, ClinGen allele CA1972401.